The following is an entry in ClinVar:

ClinVar aggregate classification (germline): Conflicting classifications of pathogenicity. Review status: criteria provided, conflicting classifications (1 of 4 stars). 4 submissions from 4 submitters: Pathogenic (2); Uncertain significance (1). 1 of the submissions does not count toward it. Last evaluated 2024-11-06.

Conditions:
CTU2-related disorder. Also called: CTU2-related condition.
Microcephaly, facial dysmorphism, renal agenesis, and ambiguous genitalia syndrome. Identifiers: MedGen C4748348, MONDO:0020647, OMIM 618142.

Allele frequency attached by ClinVar (database versions not stated): 1000 Genomes Project 30x 0.00016; 1000 Genomes Project 0.00020; gnomAD 0.00057 and 0.00061; TOPMed 0.00057; gnomAD exomes 0.00080; ESP Exome Variant Server 0.00092; ExAC 0.00098.
gnomAD v4.1: 1,696 of 1,613,952 alleles (0.11%); highest among the groups gnomAD compares: Non-Finnish European, 0.13%; no homozygotes.

Submissions (4):

Blueprint Genetics
Classification: Pathogenic for CTU2-related disorders. Last evaluated: 2024-11-06. Review status: criteria provided, single submitter. Criteria: ACMG Guidelines, 2015. Collection method: clinical testing. Allele origin: germline. Affected: yes. Observed: 5 variant alleles.

Labcorp Genetics (formerly Invitae), Labcorp
Classification: Uncertain significance. Last evaluated: 2024-03-16. Review status: criteria provided, single submitter. Criteria: Invitae Variant Classification Sherloc (09022015). Collection method: clinical testing. Allele origin: germline.
Comment: This sequence change replaces leucine, which is neutral and non-polar, with proline, which is neutral and non-polar, at codon 63 of the CTU2 protein (p.Leu63Pro). This variant is present in population databases (rs147948789, gnomAD 0.1%), and has an allele count higher than expected for a pathogenic variant. This missense change has been observed in individual(s) with clinical features of DREAM-PL (dysmorphic facies, renal agenesis, ambiguous genitalia, microcephaly,polydactyly, and lissencephaly) (PMID: 25081361, 31301155). ClinVar contains an entry for this variant (Variation ID: 635410). Advanced modeling of protein sequence and biophysical properties (such as structural, functional, and spatial information, amino acid conservation, physicochemical variation, residue mobility, and thermodynamic stability) performed at Invitae indicates that this missense variant is expected to disrupt CTU2 protein function with a positive predictive value of 80%. In summary, the available evidence is currently insufficient to determine the role of this variant in disease. Therefore, it has been classified as a Variant of Uncertain Significance.

Genomic Medicine Center of Excellence, King Faisal Specialist Hospital and Research Centre
Classification: Pathogenic for Microcephaly, facial dysmorphism, renal agenesis, and ambiguous genitalia syndrome. Review status: criteria provided, single submitter. Criteria: ACMG Guidelines, 2015. Collection method: clinical testing. Allele origin: germline. Inheritance: Autosomal recessive inheritance. Affected: yes.

PreventionGenetics, part of Exact Sciences
Classification: Uncertain significance for CTU2-related condition. Last evaluated: 2023-12-06. Review status: no assertion criteria provided. Collection method: clinical testing. Allele origin: germline. Not counted in ClinVar's aggregate classification.
Comment: The CTU2 c.188T>C variant is predicted to result in the amino acid substitution p.Leu63Pro. This variant in the compound heterozygous condition along with a second variant in this gene was reported in one individual with Intellectual disability (Table 4, Helsmoortel et al. 2015. PubMed ID: 25081361) and was reported in the homozygous condition in two unrelated individuals with DREAM‐PL syndrome (dysmorphic facies, renal agenesis, ambiguous genitalia, microcephaly, polydactyly, and lissencephaly) (Table 1, Shaheen et al. 2019. PubMed ID: 31301155). This variant is reported in 0.15% of alleles in individuals of European (non-Finnish) descent in gnomAD. At this time, the clinical significance of this variant is uncertain due to the absence of conclusive functional and genetic evidence.

Literature cited by the submitters: PubMed 25081361 (cited by Labcorp Genetics (formerly Invitae), Labcorp); PubMed 31301155 (cited by Labcorp Genetics (formerly Invitae), Labcorp).

NM_001012759.3(CTU2):c.188T>C (p.Leu63Pro)

Gene: CTU2 (cytosolic thiouridylase subunit 2; plus strand). Cytogenetic location: 16q24.3.
Variant type: single nucleotide variant.
Coding change: c.188T>C on transcript NM_001012759.3 (MANE Select); coding-DNA position 188, T replaced by C.
Protein change: p.Leu63Pro; replaces leucine 63 with proline.
Molecular consequence: missense variant. On other transcripts: intron variant (1).
Genome position (GRCh38, 1-based): chr16:88,709,982, T>C. VCF-style: chr16-88709982-T-C. GRCh37 (hg19) VCF-style: chr16-88776390-T-C.
Other names: c.188T>C, p.Leu63Pro (NM_001012762.3, NM_001318507.2); c.-39-241T>C (NM_001318513.2); c.188T>C (NM_001012759.2); short protein forms L63P.
Identifiers: ClinVar variation 635410 (VCV000635410.11), dbSNP rs147948789, ClinGen allele CA8230072.